The following is an entry in ClinVar:

ClinVar aggregate classification (germline): Uncertain significance. Review status: criteria provided, single submitter (1 of 4 stars). 2 submissions from 2 submitters: Uncertain significance (1). 1 of the submissions does not count toward it. Last evaluated 2025-04-04.

Conditions:
PLXNA3-related disorder. Also called: PLXNA3-related condition.

Allele frequency attached by ClinVar (database versions not stated): ESP Exome Variant Server 0.00114; gnomAD 0.00023; TOPMed 0.00035.
gnomAD v4.1: 63 of 1,208,747 alleles (0.0052%); highest among the groups gnomAD compares: African/African-American, 0.097%; no homozygotes.

Submissions (2):

Ambry Genetics
Classification: Uncertain significance. Last evaluated: 2025-04-04. Review status: criteria provided, single submitter. Criteria: Ambry Variant Classification Scheme 2023. Collection method: clinical testing. Allele origin: germline.

PreventionGenetics, part of Exact Sciences
Classification: Likely benign for PLXNA3-related condition. Last evaluated: 2021-06-03. Review status: no assertion criteria provided. Collection method: clinical testing. Allele origin: germline. Not counted in ClinVar's aggregate classification.
Comment: This variant is classified as likely benign based on ACMG/AMP sequence variant interpretation guidelines (Richards et al. 2015 PMID: 25741868, with internal and published modifications).

NM_017514.5(PLXNA3):c.187C>G (p.Leu63Val)

Gene: PLXNA3 (plexin A3; plus strand). Cytogenetic location: Xq28.
Variant type: single nucleotide variant.
Coding change: c.187C>G on transcript NM_017514.5 (MANE Select); coding-DNA position 187, C replaced by G.
Protein change: p.Leu63Val; replaces leucine 63 with valine.
Molecular consequence: missense variant.
Genome position (GRCh38, 1-based): chrX:154,460,370, C>G. VCF-style: chrX-154460370-C-G. GRCh37 (hg19) VCF-style: chrX-153688710-C-G.
Other names: c.187C>G (NM_017514.3); short protein forms L63V.
Identifiers: ClinVar variation 3047173 (VCV003047173.3), dbSNP rs140961230, ClinGen allele CA10563615.